The following is an entry in ClinVar:

ClinVar aggregate classification (germline): Conflicting classifications of pathogenicity. Review status: criteria provided, conflicting classifications (1 of 4 stars). 3 submissions from 3 submitters: Uncertain significance (1); Likely benign (2). Last evaluated 2023-07-29.

Conditions:
Hereditary cancer-predisposing syndrome. Also called: Hereditary neoplastic syndrome; Neoplastic Syndromes, Hereditary; Tumor predisposition; Hereditary Cancer Syndrome. Identifiers: Orphanet 140162, MedGen C0027672, MeSH D009386, MONDO:0015356.
Hereditary diffuse gastric adenocarcinoma (HDGC). Also called: DIFFUSE GASTRIC AND LOBULAR BREAST CANCER SYNDROME. Identifiers: Orphanet 26106, MedGen C1708349, MONDO:0007648, OMIM 137215.

Submissions (3):

Labcorp Genetics (formerly Invitae), Labcorp
Classification: Likely benign for Hereditary diffuse gastric adenocarcinoma. Last evaluated: 2023-07-29. Review status: criteria provided, single submitter. Criteria: Invitae Variant Classification Sherloc (09022015). Collection method: clinical testing. Allele origin: germline.

European Reference Network on Genetic Tumour Risk Syndromes (ERN-GENTURIS), i3s - Instituto de Investigação e Inovação em Saúde, University of Porto
Classification: Uncertain significance for Hereditary diffuse gastric adenocarcinoma. Last evaluated: 2022-08-01. Review status: criteria provided, single submitter. Criteria: Lee et al. (Hum Mutat. 2018). Collection method: clinical testing. Allele origin: germline. Inheritance: Autosomal dominant inheritance. Affected: no. Study: ERN GENTURIS.
Comment: PM2 (PMID: 30311375)

Ambry Genetics
Classification: Likely benign for Hereditary cancer-predisposing syndrome. Last evaluated: 2022-02-23. Review status: criteria provided, single submitter. Criteria: Ambry Variant Classification Scheme 2023. Collection method: clinical testing. Allele origin: germline.

Literature cited by the submitters: PubMed 36436516 (cited by European Reference Network on Genetic Tumour Risk Syndromes (ERN-GENTURIS), i3s - Instituto de Investigação e Inovação em Saúde, University of Porto).

NM_004360.5(CDH1):c.2286A>G (p.Glu762=)

Gene: CDH1 (cadherin 1; plus strand). Cytogenetic location: 16q22.1.
Variant type: single nucleotide variant.
Coding change: c.2286A>G on transcript NM_004360.5 (MANE Select); coding-DNA position 2286, A replaced by G.
Protein change: p.Glu762=; no amino-acid change (glutamic acid 762 retained).
Molecular consequence: synonymous variant.
Genome position (GRCh38, 1-based): chr16:68,828,295, A>G. VCF-style: chr16-68828295-A-G. GRCh37 (hg19) VCF-style: chr16-68862198-A-G.
Other names: c.2286A>G (LRG_301t1, NM_004360.4); c.2103A>G, p.Glu701= (NM_001317184.2); c.738A>G, p.Glu246= (NM_001317185.2); c.321A>G, p.Glu107= (NM_001317186.2).
Identifiers: ClinVar variation 463754 (VCV000463754.13), dbSNP rs1555517684, ClinGen allele CA496157195.